The following is an entry in ClinVar:

ClinVar aggregate classification (germline): Benign/Likely benign. Review status: criteria provided, multiple submitters, no conflicts (2 of 4 stars). 3 submissions from 3 submitters: Benign (1); Likely benign (1). 1 of the submissions does not count toward it. Last evaluated 2026-01-19.

Conditions:
FOXN1-related disorder. Also called: FOXN1-related condition.
T-cell immunodeficiency, congenital alopecia, and nail dystrophy. Also called: Congenital alopecia and nail dystrophy associated with severe functional T-cell immunodeficiency; Pignata Guarino syndrome. Identifiers: Orphanet 169095, MedGen C1866426, MONDO:0011132, OMIM 601705.

Allele frequency attached by ClinVar (database versions not stated): TOPMed 0.00002; ESP Exome Variant Server 0.00008; gnomAD exomes 0.00014 and 0.00032; gnomAD 0.00028 and 0.00031; ExAC 0.00031.
gnomAD v4.1: 250 of 1,614,056 alleles (0.015%); highest among the groups gnomAD compares: South Asian, 0.0066%; 1 homozygote.

Submissions (3):

Labcorp Genetics (formerly Invitae), Labcorp
Classification: Benign for T-cell immunodeficiency, congenital alopecia, and nail dystrophy. Last evaluated: 2026-01-19. Review status: criteria provided, single submitter. Criteria: Invitae Variant Classification Sherloc (09022015). Collection method: clinical testing. Allele origin: germline.

Blueprint Genetics
Classification: Likely benign. Last evaluated: 2024-09-24. Review status: criteria provided, single submitter. Criteria: ACMG Guidelines, 2015. Collection method: clinical testing. Allele origin: germline.

PreventionGenetics, part of Exact Sciences
Classification: Likely benign for FOXN1-related condition. Last evaluated: 2020-04-24. Review status: no assertion criteria provided. Collection method: clinical testing. Allele origin: germline. Not counted in ClinVar's aggregate classification.
Comment: This variant is classified as likely benign based on ACMG/AMP sequence variant interpretation guidelines (Richards et al. 2015 PMID: 25741868, with internal and published modifications).

NM_001369369.1(FOXN1):c.735C>T (p.Tyr245=)

Gene: FOXN1 (forkhead box N1; plus strand). Cytogenetic location: 17q11.2.
Variant type: single nucleotide variant.
Coding change: c.735C>T on transcript NM_001369369.1 (MANE Select); coding-DNA position 735, C replaced by T.
Protein change: p.Tyr245=; no amino-acid change (tyrosine 245 retained).
Molecular consequence: synonymous variant.
Genome position (GRCh38, 1-based): chr17:28,529,129, C>T. VCF-style: chr17-28529129-C-T. GRCh37 (hg19) VCF-style: chr17-26856147-C-T.
Other names: c.735C>T, p.Tyr245= (NM_003593.3); c.735C>T (NM_003593.2).
Identifiers: ClinVar variation 1591586 (VCV001591586.11), dbSNP rs374130313, ClinGen allele CA8459331.